The following is an entry in ClinVar:

ClinVar aggregate classification (germline): Uncertain significance (1 of 4 stars; one submission).

Conditions:
Hypertrophic cardiomyopathy. Also called: HYPERTROPHIC MYOCARDIOPATHY. Identifiers: Orphanet 217569, MedGen C0007194, MeSH D002312, MONDO:0005045, HP:0001639.
Primary dilated cardiomyopathy (DCM). Also called: Dilated Cardiomyopathy. Identifiers: Orphanet 217604, MedGen C0007193, MeSH D002311, MONDO:0005021, HP:0001644. Inheritance: Various modes of inheritance.

Submission:

Labcorp Genetics (formerly Invitae), Labcorp
Classification: Uncertain significance for Hypertrophic cardiomyopathy; Primary dilated cardiomyopathy. Last evaluated: 2025-11-03. Review status: criteria provided, single submitter. Criteria: Invitae Variant Classification Sherloc (09022015). Collection method: clinical testing. Allele origin: germline.
Comment: This sequence change replaces arginine, which is basic and polar, with leucine, which is neutral and non-polar, at codon 241 of the PDLIM3 protein (p.Arg241Leu). This variant is not present in population databases (gnomAD no frequency). This variant has not been reported in the literature in individuals affected with PDLIM3-related conditions. Invitae Evidence Modeling of protein sequence and biophysical properties (such as structural, functional, and spatial information, amino acid conservation, physicochemical variation, residue mobility, and thermodynamic stability) indicates that this missense variant is not expected to disrupt PDLIM3 protein function with a negative predictive value of 80%. In summary, the available evidence is currently insufficient to determine the role of this variant in disease. Therefore, it has been classified as a Variant of Uncertain Significance.

NM_014476.6(PDLIM3):c.722G>T (p.Arg241Leu)

Gene: PDLIM3 (PDZ and LIM domain 3; minus strand). Cytogenetic location: 4q35.1.
Variant type: single nucleotide variant.
Coding change: c.722G>T on transcript NM_014476.6 (MANE Select); coding-DNA position 722, G replaced by T.
Protein change: p.Arg241Leu; replaces arginine 241 with leucine.
Molecular consequence: missense variant. On other transcripts: non-coding transcript variant (1).
Genome position (GRCh38, 1-based): chr4:185,506,593, C>A on the plus strand (G>T on the coding strand, the complement: PDLIM3 is on the minus strand). VCF-style: chr4-185506593-C-A. GRCh37 (hg19) VCF-style: chr4-186427747-C-A.
Other names: c.578G>T, p.Arg193Leu (NM_001114107.5); c.458G>T, p.Arg153Leu (NM_001257962.2); c.221G>T, p.Arg74Leu (NM_001257963.2); short protein forms R241L, R74L, R153L, R193L.
Identifiers: ClinVar variation 4790128 (VCV004790128.1).